The following is an entry in ClinVar:

NM_001035.3(RYR2):c.10838+4G>A

Gene: RYR2 (ryanodine receptor 2; plus strand). Cytogenetic location: 1q43.
Variant type: single nucleotide variant.
Coding change: c.10838+4G>A on transcript NM_001035.3 (MANE Select); 4 bases into the intron after coding-DNA position 10838, G replaced by A.
Molecular consequence: intron variant.
Genome position (GRCh38, 1-based): chr1:237,727,203, G>A. VCF-style: chr1-237727203-G-A. GRCh37 (hg19) VCF-style: chr1-237890503-G-A.
Other names: c.10838+4G>A (LRG_402t1).
Identifiers: ClinVar variation 508895 (VCV000508895.20), dbSNP rs776923037, ClinGen allele CA084554.

ClinVar aggregate classification (germline): Conflicting classifications of pathogenicity. Review status: criteria provided, conflicting classifications (1 of 4 stars). 8 submissions from 8 submitters: Uncertain significance (4); Likely benign (4). Last evaluated 2026-06-08.

Conditions:
Cardiovascular phenotype. Identifiers: MedGen CN230736.
Cardiomyopathy (CMYO). Also called: Cardiomyopathies. Identifiers: Orphanet 167848, MedGen C0878544, MONDO:0004994, HP:0001638. Inheritance: Various modes of inheritance.
Catecholaminergic polymorphic ventricular tachycardia 1. Also called: VENTRICULAR TACHYCARDIA, CATECHOLAMINERGIC POLYMORPHIC, 1, WITH OR WITHOUT ATRIAL DYSFUNCTION AND/OR DILATED CARDIOMYOPATHY; VENTRICULAR TACHYCARDIA, STRESS-INDUCED POLYMORPHIC 1; RYR2-Related Catecholaminergic Polymorphic Ventricular Tachycardia. Identifiers: Orphanet 3286, MedGen C1631597, MONDO:0011484, OMIM 604772.
Catecholaminergic polymorphic ventricular tachycardia (CVPT). Also called: Catecholamine-induced polymorphic ventricular tachycardia. Identifiers: Orphanet 3286, MedGen C5574922, MONDO:0017990.

Allele frequency attached by ClinVar (database versions not stated): ExAC 0.00001; gnomAD exomes 0.00004; gnomAD 0.00005 and 0.00006; TOPMed 0.00005.
gnomAD v4.1: 64 of 1,413,554 alleles (0.0045%); highest among the groups gnomAD compares: Middle Eastern, 0.018%; 1 homozygote.

Submissions (8):

Women's Health and Genetics/Laboratory Corporation of America, LabCorp
Classification: Uncertain significance. Last evaluated: 2026-06-08. Review status: criteria provided, single submitter. Criteria: LabCorp Variant Classification Summary - May 2015. Collection method: clinical testing. Allele origin: germline.
Comment: Variant summary: RYR2 c.10838+4G>A alters a conserved nucleotide located close to a canonical splice site and therefore could affect mRNA splicing, leading to a significantly altered protein sequence. Consensus agreement among computation tools predict no significant impact on normal splicing. However, these predictions have yet to be confirmed by functional studies. The variant allele was found at a frequency of 2.5e-05 in 203036 control chromosomes. The available data on variant occurrences in the general population are insufficient to allow any conclusion about variant significance. To our knowledge, no occurrence of c.10838+4G>A in individuals affected with RYR2-related conditions and no experimental evidence demonstrating its impact on protein function have been reported. ClinVar contains an entry for this variant (Variation ID: 508895). Based on the evidence outlined above, the variant was classified as uncertain significance.

Labcorp Genetics (formerly Invitae), Labcorp
Classification: Uncertain significance for Catecholaminergic polymorphic ventricular tachycardia 1. Last evaluated: 2026-01-19. Review status: criteria provided, single submitter. Criteria: Invitae Variant Classification Sherloc (09022015). Collection method: clinical testing. Allele origin: germline.
Comment: This sequence change falls in intron 76 of the RYR2 gene. It does not directly change the encoded amino acid sequence of the RYR2 protein. It affects a nucleotide within the consensus splice site. This variant is present in population databases (rs776923037, gnomAD 0.009%). This variant has not been reported in the literature in individuals affected with RYR2-related conditions. ClinVar contains an entry for this variant (Variation ID: 508895). Variants that disrupt the consensus splice site are a relatively common cause of aberrant splicing (PMID: 17576681, 9536098). Algorithms developed to predict the effect of sequence changes on RNA splicing suggest that this variant is not likely to affect RNA splicing. In summary, the available evidence is currently insufficient to determine the role of this variant in disease. Therefore, it has been classified as a Variant of Uncertain Significance.

Molecular Diagnostic Laboratory for Inherited Cardiovascular Disease, Montreal Heart Institute
Classification: Uncertain significance for Cardiovascular phenotype. Last evaluated: 2025-04-09. Review status: criteria provided, single submitter. Criteria: ACMG Guidelines, 2015. Collection method: clinical testing. Allele origin: germline. Affected: yes.

Ambry Genetics
Classification: Uncertain significance for Cardiovascular phenotype. Last evaluated: 2024-10-17. Review status: criteria provided, single submitter. Criteria: Ambry Variant Classification Scheme 2023. Collection method: clinical testing. Allele origin: germline.
Comment: The c.10838+4G>A intronic variant results from a G to A substitution 4 nucleotides after coding exon 76 in the RYR2 gene. This nucleotide position is poorly conserved in available vertebrate species. In silico splice site analysis predicts that this alteration will not have any significant effect on splicing. Since supporting evidence is limited at this time, the clinical significance of this alteration remains unclear.

All of Us Research Program, National Institutes of Health
Classification: Likely benign for Catecholaminergic polymorphic ventricular tachycardia. Last evaluated: 2023-06-08. Review status: criteria provided, single submitter. Criteria: ACMG Guidelines, 2015. Collection method: clinical testing. Allele origin: germline. Inheritance: Autosomal dominant inheritance. Observed: 2 variant alleles, 2 heterozygotes.
Comment: This study involves interpretation of variants in research participants for the purpose of population health screening. Participant phenotype was not available at the time of variant classification. Additional details can be found in publication PMID: 35346344, PMCID: PMC8962531

Blueprint Genetics
Classification: Likely benign. Last evaluated: 2022-11-08. Review status: criteria provided, single submitter. Criteria: ACMG Guidelines, 2015. Collection method: clinical testing. Allele origin: germline.

Color Diagnostics, LLC DBA Color Health
Classification: Likely benign for Cardiomyopathy. Last evaluated: 2020-10-20. Review status: criteria provided, single submitter. Criteria: ACMG Guidelines, 2015. Collection method: clinical testing. Allele origin: germline.

GeneDx
Classification: Likely benign. Last evaluated: 2019-12-19. Review status: criteria provided, single submitter. Criteria: GeneDx Variant Classification Process June 2021. Collection method: clinical testing. Allele origin: germline. Affected: yes.

Literature cited by the submitters: PubMed 17576681 (cited by Labcorp Genetics (formerly Invitae), Labcorp); PubMed 9536098 (cited by Labcorp Genetics (formerly Invitae), Labcorp).